The following is an entry in ClinVar:

NM_002608.4(PDGFB):c.715C>G (p.Leu239Val)

Gene: PDGFB (platelet derived growth factor subunit B; minus strand). Cytogenetic location: 22q13.1.
Variant type: single nucleotide variant.
Coding change: c.715C>G on transcript NM_002608.4 (MANE Select); coding-DNA position 715, C replaced by G.
Protein change: p.Leu239Val; replaces leucine 239 with valine.
Molecular consequence: missense variant.
Genome position (GRCh38, 1-based): chr22:39,225,734, G>C on the plus strand (C>G on the coding strand, the complement: PDGFB is on the minus strand). VCF-style: chr22-39225734-G-C. GRCh37 (hg19) VCF-style: chr22-39621739-G-C.
Other names: c.670C>G, p.Leu224Val (NM_033016.3); short protein forms L224V, L239V.
Identifiers: ClinVar variation 2834664 (VCV002834664.3), dbSNP rs775740429, ClinGen allele CA10240007.
Genomic context (GRCh38, chr22:39,225,734, plus strand): 5'-GTTGCCCCGCCTGGCCCTCACCTGCCCACACACTCTCCTGCCGATGCCCCTAGGCTCCAA[G>C]GGTCTCCTTCAGTGCCGTCTTGTCATGCGTGTGCTTGAATTTCCGGTGCTTGCCCTTGGG-3'
Protein context (NP_002599.1, residues 229-241): THDKTALKET[Leu239Val]GA

ClinVar aggregate classification (germline): Uncertain significance (1 of 4 stars; one submission).

Allele frequency attached by ClinVar (database versions not stated): ExAC 0.00001; gnomAD exomes 0.00001.
gnomAD v4.1: 6 of 1,613,918 alleles (0.00037%); highest among the groups gnomAD compares: Non-Finnish European, 0.00051%; no homozygotes.

Submission:

Labcorp Genetics (formerly Invitae), Labcorp
Classification: Uncertain significance. Last evaluated: 2023-10-13. Review status: criteria provided, single submitter. Criteria: Invitae Variant Classification Sherloc (09022015). Collection method: clinical testing. Allele origin: germline.
Comment: This sequence change replaces leucine, which is neutral and non-polar, with valine, which is neutral and non-polar, at codon 239 of the PDGFB protein (p.Leu239Val). This variant is present in population databases (rs775740429, gnomAD 0.0009%). This variant has not been reported in the literature in individuals affected with PDGFB-related conditions. An algorithm developed to predict the effect of missense changes on protein structure and function (PolyPhen-2) suggests that this variant is likely to be disruptive. In summary, the available evidence is currently insufficient to determine the role of this variant in disease. Therefore, it has been classified as a Variant of Uncertain Significance.